The following is an entry in ClinVar:

NM_001127222.2(CACNA1A):c.992C>G (p.Ser331Ter)

Genes: CACNA1A (calcium voltage-gated channel subunit alpha1 A; minus strand), LOC126862866 (MED14-independent group 3 enhancer GRCh37_chr19:13445719-13446918; plus strand). Cytogenetic location: 19p13.13.
Variant type: single nucleotide variant.
Coding change: c.992C>G on transcript NM_001127222.2 (MANE Select); coding-DNA position 992, C replaced by G.
Protein change: p.Ser331Ter; replaces serine 331 with a stop codon.
Molecular consequence: nonsense.
Genome position (GRCh38, 1-based): chr19:13,335,896, G>C on the plus strand (C>G on the coding strand, the complement: CACNA1A is on the minus strand). VCF-style: chr19-13335896-G-C. GRCh37 (hg19) VCF-style: chr19-13446710-G-C.
Other names: c.992C>G, p.Ser331Ter (NM_000068.4, NM_001127221.2, NM_001174080.2 and 1 more transcripts); short protein forms S331*.
Identifiers: ClinVar variation 523906 (VCV000523906.2), dbSNP rs1555767930, ClinGen allele CA404346861.

ClinVar aggregate classification (germline): Likely pathogenic (1 of 4 stars; one submission).

Submission:

GeneDx
Classification: Likely pathogenic. Last evaluated: 2018-04-25. Review status: criteria provided, single submitter. Criteria: GeneDx Variant Classification (06012015). Collection method: clinical testing. Allele origin: germline. Affected: yes.
Comment: The S331X variant in the CACNA1A gene has not been reported previously as a pathogenic variant nor as a benign variant, to our knowledge. This variant is predicted to cause loss of normal protein function either through protein truncation or nonsense-mediated mRNA decay. The S331X variant is not observed in large population cohorts (Lek et al., 2016). We interpret S331X as a likely pathogenic variant.